The following is an entry in ClinVar:

NM_007078.3(LDB3):c.886C>T (p.Arg296Ter)

Gene: LDB3 (LIM domain binding 3; plus strand). Cytogenetic location: 10q23.2.
Variant type: single nucleotide variant.
Coding change: c.886C>T on transcript NM_007078.3 (MANE Select); coding-DNA position 886, C replaced by T.
Protein change: p.Arg296Ter; replaces arginine 296 with a stop codon.
Molecular consequence: nonsense.
Genome position (GRCh38, 1-based): chr10:86,692,561, C>T. VCF-style: chr10-86692561-C-T. GRCh37 (hg19) VCF-style: chr10-88452318-C-T.
Other names: c.745C>T, p.Arg249Ter (NM_001080116.1, NM_001080114.2, NM_001368066.1 and 2 more transcripts); c.886C>T, p.Arg296Ter (NM_001080115.2, NM_001368063.1, NM_001368064.1 and 1 more transcripts); c.1090C>T, p.Arg364Ter (NM_001171610.2, NM_001171611.2); c.886C>T (NM_007078.2); short protein forms R249*, R296*, R364*.
Identifiers: ClinVar variation 406804 (VCV000406804.10), dbSNP rs1060501316, ClinGen allele CA16612957.

ClinVar aggregate classification (germline): Conflicting classifications of pathogenicity. Review status: criteria provided, conflicting classifications (1 of 4 stars). 3 submissions from 3 submitters: Pathogenic (1); Uncertain significance (2). Last evaluated 2025-12-22.

Conditions:
Cardiovascular phenotype. Identifiers: MedGen CN230736.
Dilated cardiomyopathy 1C (CMD1C). Also called: CARDIOMYOPATHY, DILATED, 1C, WITH OR WITHOUT LEFT VENTRICULAR NONCOMPACTION; Cardiomyopathy, dilated, 1C, with or without LVNC. Identifiers: Orphanet 154, Orphanet 54260, MedGen C1832244, MONDO:0011094, OMIM 601493.
Myofibrillar myopathy 4. Also called: Zaspopathy (type). Identifiers: Orphanet 98912, MedGen C4721886, MONDO:0012277, OMIM 609452.

Allele frequency attached by ClinVar (database versions not stated): gnomAD 0.00001; gnomAD exomes 0.00001; TOPMed below 0.00001.
gnomAD v4.1: 10 of 1,614,066 alleles (0.00062%); highest among the groups gnomAD compares: African/African-American, 0.0013%; no homozygotes.

Submissions (3):

Labcorp Genetics (formerly Invitae), Labcorp
Classification: Pathogenic for Myofibrillar myopathy 4. Last evaluated: 2025-12-22. Review status: criteria provided, single submitter. Criteria: Invitae Variant Classification Sherloc (09022015). Collection method: clinical testing. Allele origin: germline.
Comment: The LDB3 gene has multiple clinically relevant transcripts. This variant occurs in alternate transcript NM_007078.3, which corresponds to a similar sequence change NM_001080116.1:c.745C>T (p.Arg249*) in the primary transcript. This sequence change creates a premature translational stop signal (p.Arg296*) in the LDB3 gene. It is expected to result in an absent or disrupted protein product in both transcripts. However, loss-of-function variants in LDB3 are only known to be pathogenic in the alternate transcript (PMID: 36253531). This variant is not present in population databases (gnomAD no frequency). This variant has not been reported in the literature in individuals affected with LDB3-related conditions. ClinVar contains an entry for this variant (Variation ID: 406804). For these reasons, this variant has been classified as Pathogenic.

Ambry Genetics
Classification: Uncertain significance for Cardiovascular phenotype. Last evaluated: 2025-03-05. Review status: criteria provided, single submitter. Criteria: Ambry Variant Classification Scheme 2023. Collection method: clinical testing. Allele origin: germline.
Comment: The p.R296* variant (also known as c.886C>T), located in coding exon 6 of the LDB3 gene, results from a C to T substitution at nucleotide position 886. This changes the amino acid from an arginine to a stop codon within coding exon 6. This alteration is expected to result in protein truncation or nonsense-mediated mRNA decay. However, loss of function of LDB3 has not been established as a mechanism of disease. Based on the available evidence, the clinical significance of this alteration remains unclear.

Fulgent Genetics
Classification: Uncertain significance for Dilated cardiomyopathy 1C; Myofibrillar myopathy 4. Last evaluated: 2021-07-20. Review status: criteria provided, single submitter. Criteria: ACMG Guidelines, 2015. Collection method: clinical testing. Allele origin: unknown.

Literature cited by the submitters: PubMed 36253531 (cited by Labcorp Genetics (formerly Invitae), Labcorp).